The following is an entry in ClinVar:

NM_025219.3(DNAJC5):c.108-266C>T

Gene: DNAJC5 (DnaJ heat shock protein family (Hsp40) member C5; plus strand). Cytogenetic location: 20q13.33.
Variant type: single nucleotide variant.
Coding change: c.108-266C>T on transcript NM_025219.3 (MANE Select); 266 bases into the intron before coding-DNA position 108, C replaced by T.
Molecular consequence: intron variant.
Genome position (GRCh38, 1-based): chr20:63,929,046, C>T. VCF-style: chr20-63929046-C-T. GRCh37 (hg19) VCF-style: chr20-62560399-C-T.
Identifiers: ClinVar variation 669806 (VCV000669806.1), dbSNP rs77797329, ClinGen allele CA317519617.

ClinVar aggregate classification (germline): Benign (1 of 4 stars; one submission).

Allele frequency attached by ClinVar (database versions not stated): 1000 Genomes Project 0.04872; 1000 Genomes Project 30x 0.05044; TOPMed 0.06355; gnomAD 0.07517 and 0.07736.

Submission:

GeneDx
Classification: Benign. Last evaluated: 2018-06-14. Review status: criteria provided, single submitter. Criteria: GeneDx Variant Classification (06012015). Collection method: clinical testing. Allele origin: germline. Affected: yes.
Comment: This variant is considered likely benign or benign based on one or more of the following criteria: it is a conservative change, it occurs at a poorly conserved position in the protein, it is predicted to be benign by multiple in silico algorithms, and/or has population frequency not consistent with disease.